The following is an entry in ClinVar:

ClinVar aggregate classification (germline): Uncertain significance (1 of 4 stars; one submission).

Submission:

GeneDx
Classification: Uncertain significance. Last evaluated: 2024-08-08. Review status: criteria provided, single submitter. Criteria: GeneDx Variant Classification Process June 2021. Collection method: clinical testing. Allele origin: germline. Affected: yes.
Comment: Not observed at significant frequency in large population cohorts (gnomAD); In-frame deletion of 1 amino acid in a non-repeat region; In silico analysis supports a deleterious effect on protein structure/function; Has not been previously published as pathogenic or benign to our knowledge

NM_052876.4(NACC1):c.852GGA[2] (p.Glu286del)

Gene: NACC1 (nucleus accumbens associated 1; plus strand). Cytogenetic location: 19p13.13.
Variant type: Microsatellite.
Coding change: c.852GGA[2] on transcript NM_052876.4 (MANE Select); two copies in a row of the 3-base unit GGA starting at c.852; the reference has three copies in a row; one copy, 3 bases deleted.
Protein change: p.Glu286del; deletes glutamic acid 286.
Molecular consequence: inframe deletion.
Genome position (GRCh38, 1-based): chr19:13,136,065-13,136,067, GGA deleted; deleting any 3 consecutive bases within chr19:13,136,057-13,136,067 gives the same sequence; the position shown is the placement nearest the transcript's 3' end. VCF-style (leftmost placement, unchanged base first): chr19-13136056-CGAG-C. GRCh37 (hg19) VCF-style: chr19-13246870-CGAG-C.
Other names: short protein forms E286del.
Identifiers: ClinVar variation 3603240 (VCV003603240.1).